The following is an entry in ClinVar:

NM_001035.3(RYR2):c.168+265G>A

Gene: RYR2 (ryanodine receptor 2; plus strand). Cytogenetic location: 1q43.
Variant type: single nucleotide variant.
Coding change: c.168+265G>A on transcript NM_001035.3 (MANE Select); 265 bases into the intron after coding-DNA position 168, G replaced by A.
Molecular consequence: intron variant.
Genome position (GRCh38, 1-based): chr1:237,270,881, G>A. VCF-style: chr1-237270881-G-A. GRCh37 (hg19) VCF-style: chr1-237434181-G-A.
Identifiers: ClinVar variation 683744 (VCV000683744.1), dbSNP rs7526874, ClinGen allele CA39988735.

ClinVar aggregate classification (germline): Benign (1 of 4 stars; one submission).

Allele frequency attached by ClinVar (database versions not stated): gnomAD 0.87784 and 0.88175; TOPMed 0.88208; 1000 Genomes Project 30x 0.92473; 1000 Genomes Project 0.92612.
gnomAD v4.1: 134,212 of 152,256 alleles (88%); highest among the groups gnomAD compares: East Asian, 100%; 59,267 homozygotes.

Submission:

GeneDx
Classification: Benign. Last evaluated: 2018-06-18. Review status: criteria provided, single submitter. Criteria: GeneDx Variant Classification (06012015). Collection method: clinical testing. Allele origin: germline. Affected: yes.
Comment: This variant is considered likely benign or benign based on one or more of the following criteria: it is a conservative change, it occurs at a poorly conserved position in the protein, it is predicted to be benign by multiple in silico algorithms, and/or has population frequency not consistent with disease.